The following is an entry in ClinVar:

ClinVar aggregate classification (germline): Uncertain significance (1 of 4 stars; one submission).

Allele frequency attached by ClinVar (database versions not stated): TOPMed below 0.00001; ExAC 0.00001; gnomAD exomes 0.00001; ESP Exome Variant Server 0.00008.
gnomAD v4.1: 24 of 1,612,844 alleles (0.0015%); highest among the groups gnomAD compares: Non-Finnish European, 0.0019%; no homozygotes.

Submission:

Labcorp Genetics (formerly Invitae), Labcorp
Classification: Uncertain significance. Last evaluated: 2022-01-15. Review status: criteria provided, single submitter. Criteria: Invitae Variant Classification Sherloc (09022015). Collection method: clinical testing. Allele origin: germline.
Comment: This sequence change replaces serine, which is neutral and polar, with cysteine, which is neutral and slightly polar, at codon 193 of the NSMF protein (p.Ser193Cys). In summary, the available evidence is currently insufficient to determine the role of this variant in disease. Therefore, it has been classified as a Variant of Uncertain Significance. Algorithms developed to predict the effect of missense changes on protein structure and function are either unavailable or do not agree on the potential impact of this missense change (SIFT: "Not Available"; PolyPhen-2: "Possibly Damaging"; Align-GVGD: "Not Available"). This variant has not been reported in the literature in individuals affected with NSMF-related conditions. This variant is present in population databases (rs371306550, gnomAD 0.002%).

NM_001130969.3(NSMF):c.578C>G (p.Ser193Cys)

Gene: NSMF (NMDA receptor synaptonuclear signaling and neuronal migration factor; minus strand). Cytogenetic location: 9q34.3.
Variant type: single nucleotide variant.
Coding change: c.578C>G on transcript NM_001130969.3 (MANE Select); coding-DNA position 578, C replaced by G.
Protein change: p.Ser193Cys; replaces serine 193 with cysteine.
Molecular consequence: missense variant.
Genome position (GRCh38, 1-based): chr9:137,457,457, G>C on the plus strand (C>G on the coding strand, the complement: NSMF is on the minus strand). VCF-style: chr9-137457457-G-C. GRCh37 (hg19) VCF-style: chr9-140351909-G-C.
Other names: c.578C>G, p.Ser193Cys (NM_001130970.2, NM_001130971.2, NM_001178064.2 and 1 more transcripts); short protein forms S193C.
Identifiers: ClinVar variation 1492107 (VCV001492107.6), dbSNP rs371306550, ClinGen allele CA5370533.